The following is an entry in ClinVar:

ClinVar aggregate classification (germline): Uncertain significance (1 of 4 stars; one submission).

Allele frequency attached by ClinVar (database versions not stated): TOPMed 0.00002.

Submission:

Labcorp Genetics (formerly Invitae), Labcorp
Classification: Uncertain significance. Last evaluated: 2022-03-09. Review status: criteria provided, single submitter. Criteria: Invitae Variant Classification Sherloc (09022015). Collection method: clinical testing. Allele origin: germline.
Comment: This variant is not present in population databases (gnomAD no frequency). This sequence change replaces methionine, which is neutral and non-polar, with isoleucine, which is neutral and non-polar, at codon 444 of the NEK2 protein (p.Met444Ile). This variant has not been reported in the literature in individuals affected with NEK2-related conditions. Algorithms developed to predict the effect of missense changes on protein structure and function are either unavailable or do not agree on the potential impact of this missense change (SIFT: "Deleterious"; PolyPhen-2: "Benign"; Align-GVGD: "Class C0"). In summary, the available evidence is currently insufficient to determine the role of this variant in disease. Therefore, it has been classified as a Variant of Uncertain Significance.

NM_002497.4(NEK2):c.1332G>A (p.Met444Ile)

Gene: NEK2 (NIMA related kinase 2; minus strand). Cytogenetic location: 1q32.3.
Variant type: single nucleotide variant.
Coding change: c.1332G>A on transcript NM_002497.4 (MANE Select); coding-DNA position 1332, G replaced by A.
Protein change: p.Met444Ile; replaces methionine 444 with isoleucine.
Molecular consequence: missense variant. On other transcripts: intron variant (1).
Genome position (GRCh38, 1-based): chr1:211,663,432, C>T on the plus strand (G>A on the coding strand, the complement: NEK2 is on the minus strand). VCF-style: chr1-211663432-C-T. GRCh37 (hg19) VCF-style: chr1-211836774-C-T.
Other names: c.1111+3674G>A (NM_001204182.2); short protein forms M444I.
Identifiers: ClinVar variation 1395445 (VCV001395445.6), dbSNP rs936683592, ClinGen allele CA36817923.